The following is an entry in ClinVar:

NM_000368.5(TSC1):c.43G>T (p.Asp15Tyr)

Gene: TSC1 (TSC complex subunit 1; minus strand). Cytogenetic location: 9q34.13.
Variant type: single nucleotide variant.
Coding change: c.43G>T on transcript NM_000368.5 (MANE Select); coding-DNA position 43, G replaced by T.
Protein change: p.Asp15Tyr; replaces aspartic acid 15 with tyrosine.
Molecular consequence: missense variant. On other transcripts: non-coding transcript variant (5), intron variant (2), 5 prime UTR variant (16).
Genome position (GRCh38, 1-based): chr9:132,928,830, C>A on the plus strand (G>T on the coding strand, the complement: TSC1 is on the minus strand). VCF-style: chr9-132928830-C-A. GRCh37 (hg19) VCF-style: chr9-135804217-C-A.
Other names: c.-153-3091G>T (NM_001406620.1, NM_001406618.1); c.43G>T, p.Asp15Tyr (NM_001162426.2, NM_001162427.2, NM_001406592.1 and 21 more transcripts); c.-217G>T (NM_001362177.2, NM_001406617.1, NM_001406619.1 and 3 more transcripts); c.-309G>T (NM_001406614.1); c.-446G>T (NM_001406615.1, NM_001406623.1); c.-413G>T (NM_001406616.1, NM_001406624.1); c.-835G>T (NM_001406626.1, NM_001406627.1, NM_001406628.1); c.-977G>T (NM_001406629.1); and 1 more; short protein forms D15Y.
Identifiers: ClinVar variation 2831396 (VCV002831396.3), dbSNP rs1554821020, ClinGen allele CA375375385.

ClinVar aggregate classification (germline): Uncertain significance (1 of 4 stars; one submission).

Conditions:
Tuberous sclerosis 1 (TSC1). Identifiers: Orphanet 805, MedGen C1854465, MONDO:0008612, OMIM 191100.

gnomAD v4.1: 1 of 1,614,210 alleles (0.000062%); highest among the groups gnomAD compares: Non-Finnish European, 0.000085%; no homozygotes.

Submission:

Labcorp Genetics (formerly Invitae), Labcorp
Classification: Uncertain significance for Tuberous sclerosis 1. Last evaluated: 2023-01-24. Review status: criteria provided, single submitter. Criteria: Invitae Variant Classification Sherloc (09022015). Collection method: clinical testing. Allele origin: germline.
Comment: In summary, the available evidence is currently insufficient to determine the role of this variant in disease. Therefore, it has been classified as a Variant of Uncertain Significance. Advanced modeling of protein sequence and biophysical properties (such as structural, functional, and spatial information, amino acid conservation, physicochemical variation, residue mobility, and thermodynamic stability) performed at Invitae indicates that this missense variant is not expected to disrupt TSC1 protein function. This variant has not been reported in the literature in individuals affected with TSC1-related conditions. This variant is not present in population databases (gnomAD no frequency). This sequence change replaces aspartic acid, which is acidic and polar, with tyrosine, which is neutral and polar, at codon 15 of the TSC1 protein (p.Asp15Tyr).